The following is an entry in ClinVar:

NM_000321.3(RB1):c.2175A>G (p.Val725=)

Gene: RB1 (RB transcriptional corepressor 1; plus strand). Cytogenetic location: 13q14.2.
Variant type: single nucleotide variant.
Coding change: c.2175A>G on transcript NM_000321.3 (MANE Select); coding-DNA position 2175, A replaced by G.
Protein change: p.Val725=; no amino-acid change (valine 725 retained).
Molecular consequence: synonymous variant.
Genome position (GRCh38, 1-based): chr13:48,463,799, A>G. VCF-style: chr13-48463799-A-G. GRCh37 (hg19) VCF-style: chr13-49037935-A-G.
Identifiers: ClinVar variation 1138374 (VCV001138374.13), dbSNP rs1339244165, ClinGen allele CA483559172.
Genomic context (GRCh38, chr13:48,463,799, plus strand): 5'-GTGTTCCATGTATGGCATATGCAAAGTGAAGAATATAGACCTTAAATTCAAAATCATTGT[A>G]ACAGCATACAAGGATCTTCCTCATGCTGTTCAGGAGGTAGGTAATTTTCCATAGTAAGTT-3'
Protein context (NP_000312.2, residues 715-735): KNIDLKFKII[Val725=]TAYKDLPHAV

ClinVar aggregate classification (germline): Likely benign. Review status: criteria provided, multiple submitters, no conflicts (2 of 4 stars). 3 submissions from 3 submitters: Likely benign (3). Last evaluated 2025-04-09.

Conditions:
Retinoblastoma (RB1). Also called: RETINOBLASTOMA, SOMATIC. Identifiers: Orphanet 790, MedGen C0035335, MeSH D012175, MONDO:0008380, OMIM 180200, HP:0009919. Disease mechanism: loss of function. Inheritance: Both sporadic and heritable forms are tested..
Hereditary cancer-predisposing syndrome. Also called: Hereditary neoplastic syndrome; Hereditary Cancer Syndrome; Tumor predisposition; Neoplastic Syndromes, Hereditary. Identifiers: Orphanet 140162, MedGen C0027672, MeSH D009386, MONDO:0015356.

Allele frequency attached by ClinVar (database versions not stated): gnomAD exomes below 0.00001; TOPMed below 0.00001; gnomAD 0.00001.
gnomAD v4.1: 2 of 1,607,498 alleles (0.00012%); highest among the groups gnomAD compares: Non-Finnish European, 0.00017%; no homozygotes.

Submissions (3):

Labcorp Genetics (formerly Invitae), Labcorp
Classification: Likely benign for Retinoblastoma. Last evaluated: 2025-04-09. Review status: criteria provided, single submitter. Criteria: Invitae Variant Classification Sherloc (09022015). Collection method: clinical testing. Allele origin: germline.

All of Us Research Program, National Institutes of Health
Classification: Likely benign for Retinoblastoma. Last evaluated: 2024-05-30. Review status: criteria provided, single submitter. Criteria: ACMG Guidelines, 2015. Collection method: clinical testing. Allele origin: germline. Inheritance: Autosomal dominant inheritance. Observed: 3 variant alleles, 3 heterozygotes.
Comment: This study involves interpretation of variants in research participants for the purpose of population health screening. Participant phenotype was not available at the time of variant classification. Additional details can be found in publication PMID: 35346344, PMCID: PMC8962531

Ambry Genetics
Classification: Likely benign for Hereditary cancer-predisposing syndrome. Last evaluated: 2021-10-25. Review status: criteria provided, single submitter. Criteria: Ambry Variant Classification Scheme 2023. Collection method: clinical testing. Allele origin: germline.